The following is an entry in ClinVar:

ClinVar aggregate classification (germline): Uncertain significance (1 of 4 stars; one submission).

Allele frequency attached by ClinVar (database versions not stated): gnomAD 0.00001; TOPMed 0.00002; ESP Exome Variant Server 0.00008.
gnomAD v4.1: 2 of 1,613,146 alleles (0.00012%); highest among the groups gnomAD compares: African/African-American, 0.0027%; no homozygotes.

Submission:

Labcorp Genetics (formerly Invitae), Labcorp
Classification: Uncertain significance. Last evaluated: 2022-11-03. Review status: criteria provided, single submitter. Criteria: Invitae Variant Classification Sherloc (09022015). Collection method: clinical testing. Allele origin: germline.
Comment: In summary, the available evidence is currently insufficient to determine the role of this variant in disease. Therefore, it has been classified as a Variant of Uncertain Significance. Advanced modeling of protein sequence and biophysical properties (such as structural, functional, and spatial information, amino acid conservation, physicochemical variation, residue mobility, and thermodynamic stability) performed at Invitae indicates that this missense variant is expected to disrupt TRAF3IP1 protein function. ClinVar contains an entry for this variant (Variation ID: 1037274). This variant has not been reported in the literature in individuals affected with TRAF3IP1-related conditions. This variant is not present in population databases (gnomAD no frequency). This sequence change replaces asparagine, which is neutral and polar, with aspartic acid, which is acidic and polar, at codon 674 of the TRAF3IP1 protein (p.Asn674Asp).

NM_015650.4(TRAF3IP1):c.2020A>G (p.Asn674Asp)

Gene: TRAF3IP1 (TRAF3 interacting protein 1; plus strand). Cytogenetic location: 2q37.3.
Variant type: single nucleotide variant.
Coding change: c.2020A>G on transcript NM_015650.4 (MANE Select); coding-DNA position 2020, A replaced by G.
Protein change: p.Asn674Asp; replaces asparagine 674 with aspartic acid.
Molecular consequence: missense variant.
Genome position (GRCh38, 1-based): chr2:238,398,863, A>G. VCF-style: chr2-238398863-A-G. GRCh37 (hg19) VCF-style: chr2-239307504-A-G.
Other names: c.1822A>G, p.Asn608Asp (NM_001139490.1); short protein forms N608D, N674D.
Identifiers: ClinVar variation 1037274 (VCV001037274.8), dbSNP rs370910741, ClinGen allele CA67991980.